The following is an entry in ClinVar:

ClinVar aggregate classification (germline): Uncertain significance. Review status: criteria provided, multiple submitters, no conflicts (2 of 4 stars). 2 submissions from 2 submitters: Uncertain significance (2). Last evaluated 2024-10-08.

Conditions:
Inborn genetic diseases. Identifiers: MedGen C0950123, MeSH D030342.

Allele frequency attached by ClinVar (database versions not stated): ExAC 0.00001; gnomAD exomes 0.00004.
gnomAD v4.1: 63 of 1,613,332 alleles (0.0039%); highest among the groups gnomAD compares: Non-Finnish European, 0.0052%; no homozygotes.

Submissions (2):

Ambry Genetics
Classification: Uncertain significance for Inborn genetic diseases. Last evaluated: 2024-10-08. Review status: criteria provided, single submitter. Criteria: Ambry Variant Classification Scheme 2023. Collection method: clinical testing. Allele origin: germline.

Labcorp Genetics (formerly Invitae), Labcorp
Classification: Uncertain significance. Last evaluated: 2024-03-16. Review status: criteria provided, single submitter. Criteria: Invitae Variant Classification Sherloc (09022015). Collection method: clinical testing. Allele origin: germline.
Comment: This sequence change replaces lysine, which is basic and polar, with glutamic acid, which is acidic and polar, at codon 602 of the KCNQ4 protein (p.Lys602Glu). This variant is present in population databases (rs751793378, gnomAD 0.003%). This variant has not been reported in the literature in individuals affected with KCNQ4-related conditions. Advanced modeling of protein sequence and biophysical properties (such as structural, functional, and spatial information, amino acid conservation, physicochemical variation, residue mobility, and thermodynamic stability) performed at Invitae indicates that this missense variant is not expected to disrupt KCNQ4 protein function with a negative predictive value of 80%. In summary, the available evidence is currently insufficient to determine the role of this variant in disease. Therefore, it has been classified as a Variant of Uncertain Significance.

NM_004700.4(KCNQ4):c.1804A>G (p.Lys602Glu)

Gene: KCNQ4 (potassium voltage-gated channel subfamily Q member 4; plus strand). Cytogenetic location: 1p34.2.
Variant type: single nucleotide variant.
Coding change: c.1804A>G on transcript NM_004700.4 (MANE Select); coding-DNA position 1804, A replaced by G.
Protein change: p.Lys602Glu; replaces lysine 602 with glutamic acid.
Molecular consequence: missense variant.
Genome position (GRCh38, 1-based): chr1:40,837,723, A>G. VCF-style: chr1-40837723-A-G. GRCh37 (hg19) VCF-style: chr1-41303395-A-G.
Other names: c.1642A>G, p.Lys548Glu (NM_172163.3); c.1804A>G (NM_004700.3); short protein forms K548E, K602E.
Identifiers: ClinVar variation 2904036 (VCV002904036.4), dbSNP rs751793378, ClinGen allele CA795006.
Genomic context (GRCh38, chr1:40,837,723, plus strand): 5'-AGGGTGGACCAAATTGTGGGTCGGGGGCCCGGGGACAGGAAGGCCCGGGAGAAGGGCGAC[A>G]AGGGGCCCTCCGACGCGGAGGTGGTGGATGAAATCAGCATGATGGGACGCGTGGTCAAGG-3'
Protein context (NP_004691.2, residues 592-612): GDRKAREKGD[Lys602Glu]GPSDAEVVDE